The following is an entry in ClinVar:

NM_012338.4(TSPAN12):c.300G>T (p.Leu100Phe)

Gene: TSPAN12 (tetraspanin 12; minus strand). Cytogenetic location: 7q31.31.
Variant type: single nucleotide variant.
Coding change: c.300G>T on transcript NM_012338.4 (MANE Select); coding-DNA position 300, G replaced by T.
Protein change: p.Leu100Phe; replaces leucine 100 with phenylalanine.
Molecular consequence: missense variant.
Genome position (GRCh38, 1-based): chr7:120,815,789, C>A on the plus strand (G>T on the coding strand, the complement: TSPAN12 is on the minus strand). VCF-style: chr7-120815789-C-A. GRCh37 (hg19) VCF-style: chr7-120455843-C-A.
Other names: short protein forms L100F.
Identifiers: ClinVar variation 3367890 (VCV003367890.1).

ClinVar aggregate classification (germline): Uncertain significance (1 of 4 stars; one submission).

Submission:

GeneDx
Classification: Uncertain significance. Last evaluated: 2024-01-12. Review status: criteria provided, single submitter. Criteria: GeneDx Variant Classification Process June 2021. Collection method: clinical testing. Allele origin: germline. Affected: yes.
Comment: Not observed at significant frequency in large population cohorts (gnomAD); In silico analysis supports that this missense variant has a deleterious effect on protein structure/function; This variant is associated with the following publications: (PMID: 34432746)